The following is an entry in ClinVar:

ClinVar aggregate classification (germline): Pathogenic (1 of 4 stars; one submission).

Conditions:
Biotinidase deficiency. Also called: BTD deficiency; Late-onset biotin-responsive multiple carboxylase deficiency; Biotin deficiency. Identifiers: Orphanet 79241, MedGen C0220754, MONDO:0009665, OMIM 253260.

Submission:

Labcorp Genetics (formerly Invitae), Labcorp
Classification: Pathogenic for Biotinidase deficiency. Last evaluated: 2023-06-03. Review status: criteria provided, single submitter. Criteria: Invitae Variant Classification Sherloc (09022015). Collection method: clinical testing. Allele origin: germline.
Comment: This missense change has been observed in individual(s) with biotinidase deficiency (PMID: 11865279). For these reasons, this variant has been classified as Pathogenic. Advanced modeling of protein sequence and biophysical properties (such as structural, functional, and spatial information, amino acid conservation, physicochemical variation, residue mobility, and thermodynamic stability) performed at Invitae indicates that this missense variant is expected to disrupt BTD protein function. This variant is also known as c.935G>A . This variant is not present in population databases (gnomAD no frequency). This sequence change replaces glycine, which is neutral and non-polar, with glutamic acid, which is acidic and polar, at codon 310 of the BTD protein (p.Gly310Glu).

Literature cited by the submitters: PubMed 11865279.

NM_001370658.1(BTD):c.869G>A (p.Gly290Glu)

Gene: BTD (biotinidase; plus strand). Cytogenetic location: 3p25.1.
Variant type: single nucleotide variant.
Coding change: c.869G>A on transcript NM_001370658.1 (MANE Select); coding-DNA position 869, G replaced by A.
Protein change: p.Gly290Glu; replaces glycine 290 with glutamic acid.
Molecular consequence: missense variant. On other transcripts: intron variant (1).
Genome position (GRCh38, 1-based): chr3:15,644,785, G>A. VCF-style: chr3-15644785-G-A. GRCh37 (hg19) VCF-style: chr3-15686292-G-A.
Other names: c.929G>A, p.Gly310Glu (NM_000060.4); c.869G>A, p.Gly290Glu (NM_001281723.4, NM_001281724.3, NM_001281725.3 and 18 more transcripts); c.399+2728G>A (NM_001370753.1); short protein forms G290E.
Identifiers: ClinVar variation 2734455 (VCV002734455.3), dbSNP rs397514393, ClinGen allele CA278276.